The following is an entry in ClinVar:

ClinVar aggregate classification (germline): Uncertain significance (1 of 4 stars; one submission).

Conditions:
Cardiovascular phenotype. Identifiers: MedGen CN230736.

gnomAD v4.1: 1 of 1,603,294 alleles (0.000062%); highest among the groups gnomAD compares: Non-Finnish European, 0.000085%; no homozygotes.

Submission:

Ambry Genetics
Classification: Uncertain significance for Cardiovascular phenotype. Last evaluated: 2022-07-11. Review status: criteria provided, single submitter. Criteria: Ambry Variant Classification Scheme 2023. Collection method: clinical testing. Allele origin: germline.
Comment: The p.V1700M variant (also known as c.5098G>A), located in coding exon 36 of the LAMA4 gene, results from a G to A substitution at nucleotide position 5098. The valine at codon 1700 is replaced by methionine, an amino acid with highly similar properties. This amino acid position is conserved. In addition, the in silico prediction for this alteration is inconclusive. Since supporting evidence is limited at this time, the clinical significance of this alteration remains unclear.

NM_001105206.3(LAMA4):c.5119G>A (p.Val1707Met)

Gene: LAMA4 (laminin subunit alpha 4; minus strand). Cytogenetic location: 6q21.
Variant type: single nucleotide variant.
Coding change: c.5119G>A on transcript NM_001105206.3 (MANE Select); coding-DNA position 5119, G replaced by A.
Protein change: p.Val1707Met; replaces valine 1707 with methionine.
Molecular consequence: missense variant.
Genome position (GRCh38, 1-based): chr6:112,114,750, C>T on the plus strand (G>A on the coding strand, the complement: LAMA4 is on the minus strand). VCF-style: chr6-112114750-C-T. GRCh37 (hg19) VCF-style: chr6-112435953-C-T.
Other names: c.5098G>A, p.Val1700Met (NM_001105207.3, NM_002290.5); short protein forms V1707M, V1700M.
Identifiers: ClinVar variation 1745305 (VCV001745305.2), dbSNP rs2546965857, ClinGen allele CA365365030.
Genomic context (GRCh38, chr6:112,114,750, plus strand): 5'-AGAGACTCTGCTTGGGTGTAACTGAGGTGGAAAAATCTCTGATGCCATTATTGACTTTCA[C>T]TATGACCTGCAAAAGATAGGACACATTGTATGATTTAGTTTGTCCTCATTGTGATAAAAC-3'
Protein context (NP_001098676.2, residues 1697-1717): NVHMKNGQVI[Val1707Met]KVNNGIRDFS